The following is an entry in ClinVar:

ClinVar aggregate classification (germline): Uncertain significance (1 of 4 stars; one submission).

Conditions:
Cardiovascular phenotype. Identifiers: MedGen CN230736.

Submission:

Ambry Genetics
Classification: Uncertain significance for Cardiovascular phenotype. Last evaluated: 2023-12-12. Review status: criteria provided, single submitter. Criteria: Ambry Variant Classification Scheme 2023. Collection method: clinical testing. Allele origin: germline.
Comment: The c.3347-5C>T intronic variant results from a C to T substitution 5 nucleotides upstream from coding exon 21 in the SOS1 gene. This nucleotide position is well conserved in available vertebrate species. In silico splice site analysis predicts that this alteration will not have any significant effect on splicing. Since supporting evidence is limited at this time, the clinical significance of this alteration remains unclear.

NM_005633.4(SOS1):c.3347-5C>T

Gene: SOS1 (SOS Ras/Rac guanine nucleotide exchange factor 1; minus strand). Cytogenetic location: 2p22.1.
Variant type: single nucleotide variant.
Coding change: c.3347-5C>T on transcript NM_005633.4 (MANE Select); 5 bases into the intron before coding-DNA position 3347, C replaced by T.
Molecular consequence: intron variant.
Genome position (GRCh38, 1-based): chr2:38,989,319, G>A on the plus strand (C>T on the coding strand, the complement: SOS1 is on the minus strand). VCF-style: chr2-38989319-G-A. GRCh37 (hg19) VCF-style: chr2-39216460-G-A.
Other names: c.3326-5C>T (NM_001382394.1); c.3347-1728C>T (NM_001382395.1).
Identifiers: ClinVar variation 3224892 (VCV003224892.1), dbSNP rs2528887820, ClinGen allele CA2576945113.
Genomic context (GRCh38, chr2:38,989,319, plus strand): 5'-AATATACTAACTTGGGCCATGGGGCAGAGTAACTTGGATAAAGACGGTATCATTGCCTGT[G>A]AAAGGAAACAAGAAAAAGTAGATTTTTTTCTTTCATTGATATATTCAACTCATCTGCAAA-3'